The following is an entry in ClinVar:

ClinVar aggregate classification (germline): Likely benign. Review status: criteria provided, multiple submitters, no conflicts (2 of 4 stars). 4 submissions from 4 submitters: Likely benign (3). 1 of the submissions does not count toward it. Last evaluated 2025-12-23.

Conditions:
SAMD9L-related disorder. Also called: SAMD9L-related disorders; SAMD9L-related condition.
Inborn genetic diseases. Identifiers: MedGen C0950123, MeSH D030342.

Allele frequency attached by ClinVar (database versions not stated): gnomAD 0.00003 and 0.00004; TOPMed 0.00003.
gnomAD v4.1: 44 of 1,613,508 alleles (0.0027%); highest among the groups gnomAD compares: Non-Finnish European, 0.0036%; 2 homozygotes.

Submissions (4):

Labcorp Genetics (formerly Invitae), Labcorp
Classification: Likely benign. Last evaluated: 2025-12-23. Review status: criteria provided, single submitter. Criteria: Invitae Variant Classification Sherloc (09022015). Collection method: clinical testing. Allele origin: germline.

Ambry Genetics
Classification: Likely benign for Inborn genetic diseases. Last evaluated: 2024-11-22. Review status: criteria provided, single submitter. Criteria: Ambry Variant Classification Scheme 2023. Collection method: clinical testing. Allele origin: germline.

Blueprint Genetics
Classification: Likely benign. Last evaluated: 2023-06-20. Review status: criteria provided, single submitter. Criteria: ACMG Guidelines, 2015. Collection method: clinical testing. Allele origin: germline.

PreventionGenetics, part of Exact Sciences
Classification: Likely benign for SAMD9L-related condition. Last evaluated: 2021-11-04. Review status: no assertion criteria provided. Collection method: clinical testing. Allele origin: germline. Not counted in ClinVar's aggregate classification.
Comment: This variant is classified as likely benign based on ACMG/AMP sequence variant interpretation guidelines (Richards et al. 2015 PMID: 25741868, with internal and published modifications).

NM_152703.5(SAMD9L):c.2433C>A (p.Val811=)

Gene: SAMD9L (sterile alpha motif domain containing 9 like; minus strand). Cytogenetic location: 7q21.2.
Variant type: single nucleotide variant.
Coding change: c.2433C>A on transcript NM_152703.5 (MANE Select); coding-DNA position 2433, C replaced by A.
Protein change: p.Val811=; no amino-acid change (valine 811 retained).
Molecular consequence: synonymous variant.
Genome position (GRCh38, 1-based): chr7:93,133,539, G>T on the plus strand (C>A on the coding strand, the complement: SAMD9L is on the minus strand). VCF-style: chr7-93133539-G-T. GRCh37 (hg19) VCF-style: chr7-92762852-G-T.
Other names: c.2433C>A, p.Val811= (NM_001303496.3, NM_001303497.3, NM_001303498.3 and 5 more transcripts); c.2433C>A (NM_152703.3, NM_152703.2).
Identifiers: ClinVar variation 1595442 (VCV001595442.12), dbSNP rs745666788, ClinGen allele CA4343589.
Genomic context (GRCh38, chr7:93,133,539, plus strand): 5'-TTTTTCATATCGCAAATCCTTTTCTGCTAAAACGGAATGGATGGCATTTTGTAGAAAGTA[G>T]ACATTTTCTTGTTCTTCAAAATCATCCACAAGGAGAAGCACAGGAATGTAATCCTGATGG-3'
Protein context (NP_689916.2, residues 801-821): LVDDFEEQEN[Val811=]YFLQNAIHSV